The following is an entry in ClinVar:

NM_007212.4(RNF2):c.527G>T (p.Ser176Ile)

Gene: RNF2 (ring finger protein 2; plus strand). Cytogenetic location: 1q25.3.
Variant type: single nucleotide variant.
Coding change: c.527G>T on transcript NM_007212.4 (MANE Select); coding-DNA position 527, G replaced by T.
Protein change: p.Ser176Ile; replaces serine 176 with isoleucine.
Molecular consequence: missense variant.
Genome position (GRCh38, 1-based): chr1:185,098,134, G>T. VCF-style: chr1-185098134-G-T. GRCh37 (hg19) VCF-style: chr1-185067266-G-T.
Other names: short protein forms S176I.
Identifiers: ClinVar variation 5020922 (VCV005020922.1).

ClinVar aggregate classification (germline): Uncertain significance (1 of 4 stars; one submission).

gnomAD v4.1: 1 of 1,614,222 alleles (0.000062%); highest among the groups gnomAD compares: Non-Finnish European, 0.000085%; no homozygotes.

Submission:

Dasa
Classification: Uncertain significance. Last evaluated: 2025-06-30. Review status: criteria provided, single submitter. Criteria: DASA Assertion Criteria. Collection method: clinical testing. Allele origin: germline.
Comment: NM_007212.4(RNF2):c.527G>T (p.Ser176Ile) is a missense variant that results in the substitution of serine with isoleucine. This variant is rare in population databases. Computational prediction algorithms are consistent with a benign effect. The currently available literature and clinical evidence are not sufficient to establish a definitive association between this variant and the reported condition. Therefore, this variant is classified as a variant of uncertain significance.